The following is an entry in ClinVar:

NM_001256071.3(RNF213):c.340C>T (p.Pro114Ser)

Gene: RNF213 (ring finger protein 213; plus strand). Cytogenetic location: 17q25.3.
Variant type: single nucleotide variant.
Coding change: c.340C>T on transcript NM_001256071.3 (MANE Select); coding-DNA position 340, C replaced by T.
Protein change: p.Pro114Ser; replaces proline 114 with serine.
Molecular consequence: missense variant.
Genome position (GRCh38, 1-based): chr17:80,287,893, C>T. VCF-style: chr17-80287893-C-T. GRCh37 (hg19) VCF-style: chr17-78261692-C-T.
Other names: p.Pro114Ser; c.487C>T, p.Pro163Ser (NM_001410195.1, NM_020914.5); c.340C>T, p.Pro114Ser (NM_020954.4); short protein forms P114S, P163S.
Identifiers: ClinVar variation 3380525 (VCV003380525.3).

ClinVar aggregate classification (germline): Conflicting classifications of pathogenicity. Review status: criteria provided, conflicting classifications (1 of 4 stars). 2 submissions from 2 submitters: Uncertain significance (1); Likely benign (1). Last evaluated 2024-04-03.

Submissions (2):

Labcorp Genetics (formerly Invitae), Labcorp
Classification: Likely benign. Last evaluated: 2024-04-03. Review status: criteria provided, single submitter. Criteria: Invitae Variant Classification Sherloc (09022015). Collection method: clinical testing. Allele origin: germline.

Mayo Clinic Laboratories, Mayo Clinic
Classification: Uncertain significance. Last evaluated: 2023-12-20. Review status: criteria provided, single submitter. Criteria: ACMG Guidelines, 2015. Collection method: clinical testing. Allele origin: germline. Observed: 1 variant allele.
Comment: BP4_strong, PP2